The following is an entry in ClinVar:

ClinVar aggregate classification (germline): Uncertain significance (1 of 4 stars; one submission).

Allele frequency attached by ClinVar (database versions not stated): TOPMed below 0.00001.

Submission:

Labcorp Genetics (formerly Invitae), Labcorp
Classification: Uncertain significance. Last evaluated: 2022-04-24. Review status: criteria provided, single submitter. Criteria: Invitae Variant Classification Sherloc (09022015). Collection method: clinical testing. Allele origin: germline.
Comment: This variant is not present in population databases (gnomAD no frequency). This sequence change replaces aspartic acid, which is acidic and polar, with asparagine, which is neutral and polar, at codon 63 of the RUSC2 protein (p.Asp63Asn). This variant has not been reported in the literature in individuals affected with RUSC2-related conditions. Algorithms developed to predict the effect of missense changes on protein structure and function are either unavailable or do not agree on the potential impact of this missense change (SIFT: "Deleterious"; PolyPhen-2: "Probably Damaging"; Align-GVGD: "Class C0"). In summary, the available evidence is currently insufficient to determine the role of this variant in disease. Therefore, it has been classified as a Variant of Uncertain Significance.

NM_014806.5(RUSC2):c.187G>A (p.Asp63Asn)

Gene: RUSC2 (RUN and SH3 domain containing 2; plus strand). Cytogenetic location: 9p13.3.
Variant type: single nucleotide variant.
Coding change: c.187G>A on transcript NM_014806.5 (MANE Select); coding-DNA position 187, G replaced by A.
Protein change: p.Asp63Asn; replaces aspartic acid 63 with asparagine.
Molecular consequence: missense variant. On other transcripts: non-coding transcript variant (1), intron variant (1).
Genome position (GRCh38, 1-based): chr9:35,546,708, G>A. VCF-style: chr9-35546708-G-A. GRCh37 (hg19) VCF-style: chr9-35546705-G-A.
Other names: c.187G>A, p.Asp63Asn (NM_001135999.2); c.-620-8352G>A (NM_001330740.2); short protein forms D63N.
Identifiers: ClinVar variation 1953155 (VCV001953155.5), dbSNP rs1434042015, ClinGen allele CA373326098.